The following is an entry in ClinVar:

NM_032383.5(HPS3):c.920C>T (p.Ser307Phe)

Gene: HPS3 (HPS3 biogenesis of lysosomal organelles complex 2 subunit 1; plus strand). Cytogenetic location: 3q24.
Variant type: single nucleotide variant.
Coding change: c.920C>T on transcript NM_032383.5 (MANE Select); coding-DNA position 920, C replaced by T.
Protein change: p.Ser307Phe; replaces serine 307 with phenylalanine.
Molecular consequence: missense variant.
Genome position (GRCh38, 1-based): chr3:149,141,330, C>T. VCF-style: chr3-149141330-C-T. GRCh37 (hg19) VCF-style: chr3-148859117-C-T.
Other names: c.425C>T, p.Ser142Phe (NM_001308258.2); short protein forms S142F, S307F.
Identifiers: ClinVar variation 1506624 (VCV001506624.3), dbSNP rs377428730, ClinGen allele CA2659939.

ClinVar aggregate classification (germline): Uncertain significance (1 of 4 stars; one submission).

Allele frequency attached by ClinVar (database versions not stated): gnomAD 0.00001 and 0.00002; TOPMed 0.00003; ESP Exome Variant Server 0.00008; 1000 Genomes Project 30x 0.00016; 1000 Genomes Project 0.00020.
gnomAD v4.1: 3 of 1,613,358 alleles (0.00019%); highest among the groups gnomAD compares: African/African-American, 0.0027%; no homozygotes.

Submission:

Labcorp Genetics (formerly Invitae), Labcorp
Classification: Uncertain significance. Last evaluated: 2022-06-22. Review status: criteria provided, single submitter. Criteria: Invitae Variant Classification Sherloc (09022015). Collection method: clinical testing. Allele origin: germline.
Comment: This sequence change replaces serine, which is neutral and polar, with phenylalanine, which is neutral and non-polar, at codon 307 of the HPS3 protein (p.Ser307Phe). This variant is present in population databases (rs377428730, gnomAD 0.01%). This variant has not been reported in the literature in individuals affected with HPS3-related conditions. Algorithms developed to predict the effect of missense changes on protein structure and function are either unavailable or do not agree on the potential impact of this missense change (SIFT: "Tolerated"; PolyPhen-2: "Possibly Damaging"; Align-GVGD: "Class C0"). In summary, the available evidence is currently insufficient to determine the role of this variant in disease. Therefore, it has been classified as a Variant of Uncertain Significance.